The following is an entry in ClinVar:

ClinVar aggregate classification (germline): Uncertain significance (1 of 4 stars; one submission).

Allele frequency attached by ClinVar (database versions not stated): gnomAD 0.00001; TOPMed 0.00001; ExAC 0.00002; gnomAD exomes 0.00002; ESP Exome Variant Server 0.00008.
gnomAD v4.1: 29 of 1,554,732 alleles (0.0019%); highest among the groups gnomAD compares: South Asian, 0.021%; no homozygotes.

Submission:

Labcorp Genetics (formerly Invitae), Labcorp
Classification: Uncertain significance. Last evaluated: 2025-03-17. Review status: criteria provided, single submitter. Criteria: Invitae Variant Classification Sherloc (09022015). Collection method: clinical testing. Allele origin: germline.
Comment: This sequence change replaces leucine, which is neutral and non-polar, with phenylalanine, which is neutral and non-polar, at codon 1186 of the TRIOBP protein (p.Leu1186Phe). This variant is present in population databases (rs372266271, gnomAD 0.007%). This variant has not been reported in the literature in individuals affected with TRIOBP-related conditions. ClinVar contains an entry for this variant (Variation ID: 1985036). An algorithm developed to predict the effect of missense changes on protein structure and function (PolyPhen-2) suggests that this variant is likely to be disruptive. In summary, the available evidence is currently insufficient to determine the role of this variant in disease. Therefore, it has been classified as a Variant of Uncertain Significance.

NM_001039141.3(TRIOBP):c.3556C>T (p.Leu1186Phe)

Gene: TRIOBP (TRIO and F-actin binding protein; plus strand). Cytogenetic location: 22q13.1.
Variant type: single nucleotide variant.
Coding change: c.3556C>T on transcript NM_001039141.3 (MANE Select); coding-DNA position 3556, C replaced by T.
Protein change: p.Leu1186Phe; replaces leucine 1186 with phenylalanine.
Molecular consequence: missense variant.
Genome position (GRCh38, 1-based): chr22:37,726,112, C>T. VCF-style: chr22-37726112-C-T. GRCh37 (hg19) VCF-style: chr22-38122119-C-T.
Other names: short protein forms L1186F.
Identifiers: ClinVar variation 1985036 (VCV001985036.4), dbSNP rs372266271, ClinGen allele CA10224152.